The following is an entry in ClinVar:

NM_001283009.2(RTEL1):c.1616C>T (p.Ser539Phe)

Genes: RTEL1 (regulator of telomere elongation helicase 1; plus strand), RTEL1-TNFRSF6B (RTEL1-TNFRSF6B readthrough (NMD candidate); plus strand). Cytogenetic location: 20q13.33.
Variant type: single nucleotide variant.
Coding change: c.1616C>T on transcript NM_001283009.2 (MANE Select); coding-DNA position 1616, C replaced by T.
Protein change: p.Ser539Phe; replaces serine 539 with phenylalanine.
Molecular consequence: missense variant. On other transcripts: non-coding transcript variant (1).
Genome position (GRCh38, 1-based): chr20:63,688,159, C>T. VCF-style: chr20-63688159-C-T. GRCh37 (hg19) VCF-style: chr20-62319512-C-T.
Other names: c.947C>T, p.Ser316Phe (NM_001283010.1); c.1616C>T, p.Ser539Phe (NM_016434.4); c.1688C>T, p.Ser563Phe (NM_032957.5); short protein forms S539F, S563F, S316F.
Identifiers: ClinVar variation 1778058 (VCV001778058.7), dbSNP rs909417142, ClinGen allele CA317510793.

ClinVar aggregate classification (germline): Uncertain significance. Review status: criteria provided, multiple submitters, no conflicts (2 of 4 stars). 2 submissions from 2 submitters: Uncertain significance (2). Last evaluated 2023-12-19.

Conditions:
Dyskeratosis congenita, autosomal recessive 5 (DKCB5). Identifiers: MedGen C3554656, MONDO:0014076, OMIM 615190.
Pulmonary fibrosis and/or bone marrow failure, Telomere-related, 3. Also called: PULMONARY FIBROSIS AND/OR BONE MARROW FAILURE SYNDROME, TELOMERE-RELATED, 3. Identifiers: Orphanet 2032, MedGen C4225346, MONDO:0014613, OMIM 616373.
Inborn genetic diseases. Identifiers: MedGen C0950123, MeSH D030342.

Allele frequency attached by ClinVar (database versions not stated): gnomAD exomes below 0.00001; gnomAD 0.00001; TOPMed 0.00003.
gnomAD v4.1: 4 of 1,612,236 alleles (0.00025%); highest among the groups gnomAD compares: African/African-American, 0.0013%; no homozygotes.

Submissions (2):

Labcorp Genetics (formerly Invitae), Labcorp
Classification: Uncertain significance for Dyskeratosis congenita, autosomal recessive 5; Pulmonary fibrosis and/or bone marrow failure, Telomere-related, 3. Last evaluated: 2023-12-19. Review status: criteria provided, single submitter. Criteria: Invitae Variant Classification Sherloc (09022015). Collection method: clinical testing. Allele origin: germline.
Comment: This sequence change replaces serine, which is neutral and polar, with phenylalanine, which is neutral and non-polar, at codon 539 of the RTEL1 protein (p.Ser539Phe). This variant is present in population databases (no rsID available, gnomAD 0.004%). This variant has not been reported in the literature in individuals affected with RTEL1-related conditions. ClinVar contains an entry for this variant (Variation ID: 1778058). An algorithm developed to predict the effect of missense changes on protein structure and function (PolyPhen-2) suggests that this variant is likely to be disruptive. In summary, the available evidence is currently insufficient to determine the role of this variant in disease. Therefore, it has been classified as a Variant of Uncertain Significance.

Ambry Genetics
Classification: Uncertain significance for Inborn genetic diseases. Last evaluated: 2021-10-06. Review status: criteria provided, single submitter. Criteria: Ambry Variant Classification Scheme 2023. Collection method: clinical testing. Allele origin: germline.
Comment: The p.S563F variant (also known as c.1688C>T), located in coding exon 18 of the RTEL1 gene, results from a C to T substitution at nucleotide position 1688. The serine at codon 563 is replaced by phenylalanine, an amino acid with highly dissimilar properties. This amino acid position is conserved. In addition, this alteration is predicted to be tolerated by in silico analysis. Since supporting evidence is limited at this time, the clinical significance of this alteration remains unclear.